The following is an entry in ClinVar:

ClinVar aggregate classification (germline): Pathogenic (1 of 4 stars; one submission).

Conditions:
Deficiency of hydroxymethylglutaryl-CoA lyase (HMGCLD). Also called: Defect in leucine metabolism; 3-hydroxy-3-methylglutaric aciduria; HMGCL DEFICIENCY; HYDROXYMETHYLGLUTARIC ACIDURIA; HMG-CoA LYASE DEFICIENCY. Identifiers: Orphanet 20, MedGen C1533587, MONDO:0009520, OMIM 246450.

Submission:

Labcorp Genetics (formerly Invitae), Labcorp
Classification: Pathogenic for Deficiency of hydroxymethylglutaryl-CoA lyase. Last evaluated: 2022-02-22. Review status: criteria provided, single submitter. Criteria: Invitae Variant Classification Sherloc (09022015). Collection method: clinical testing. Allele origin: germline.
Comment: This variant has not been reported in the literature in individuals affected with HMGCL-related conditions. For these reasons, this variant has been classified as Pathogenic. This variant is not present in population databases (gnomAD no frequency). This sequence change creates a premature translational stop signal (p.Val70Tyrfs*10) in the HMGCL gene. It is expected to result in an absent or disrupted protein product. Loss-of-function variants in HMGCL are known to be pathogenic (PMID: 9817922, 17692550, 23465862).

Literature cited by the submitters: PubMed 9817922; PubMed 17692550; PubMed 23465862.

NM_000191.3(HMGCL):c.208_209del (p.Val70fs)

Gene: HMGCL (3-hydroxy-3-methylglutaryl-CoA lyase; minus strand). Cytogenetic location: 1p36.11.
Variant type: Deletion.
Coding change: c.208_209del on transcript NM_000191.3 (MANE Select); coding-DNA positions 208 to 209, 2 bases deleted (GT; older notation c.208_209delGT).
Protein change: p.Val70fs; shifts the reading frame from valine 70.
Molecular consequence: frameshift variant.
Genome position (GRCh38, 1-based): chr1:23,817,519-23,817,520, AC deleted on the plus strand (GT on the coding strand, the reverse complement: HMGCL is on the minus strand); deleting any 2 consecutive bases within chr1:23,817,519-23,817,521 gives the same sequence; the c. name uses the placement nearest the transcript's 3' end. VCF-style (leftmost placement, unchanged base first): chr1-23817518-AAC-A. GRCh37 (hg19) VCF-style: chr1-24144008-AAC-A.
Other names: c.208_209del, p.Val70fs (NM_001166059.2); short protein forms V70fs.
Identifiers: ClinVar variation 1459181 (VCV001459181.6), dbSNP rs2148424175, ClinGen allele CA2573132156.